The following is an entry in ClinVar:

ClinVar aggregate classification (germline): Pathogenic (1 of 4 stars; one submission).

Allele frequency attached by ClinVar (database versions not stated): gnomAD 0.00001.
gnomAD v4.1: 1 of 1,613,824 alleles (0.000062%); highest among the groups gnomAD compares: African/African-American, 0.0013%; no homozygotes.

Submission:

Labcorp Genetics (formerly Invitae), Labcorp
Classification: Pathogenic. Last evaluated: 2024-01-10. Review status: criteria provided, single submitter. Criteria: Invitae Variant Classification Sherloc (09022015). Collection method: clinical testing. Allele origin: germline.
Comment: This sequence change creates a premature translational stop signal (p.Gln827*) in the C3 gene. It is expected to result in an absent or disrupted protein product. Loss-of-function variants in C3 are known to be pathogenic (PMID: 12462331, 14639503, 21501302). This variant is not present in population databases (gnomAD no frequency). This variant has not been reported in the literature in individuals affected with C3-related conditions. For these reasons, this variant has been classified as Pathogenic.

Literature cited by the submitters: PubMed 12462331; PubMed 14639503; PubMed 21501302.

NM_000064.4(C3):c.2479C>T (p.Gln827Ter)

Gene: C3 (complement C3; minus strand). Cytogenetic location: 19p13.3.
Variant type: single nucleotide variant.
Coding change: c.2479C>T on transcript NM_000064.4 (MANE Select); coding-DNA position 2479, C replaced by T.
Protein change: p.Gln827Ter; replaces glutamine 827 with a stop codon.
Molecular consequence: nonsense.
Genome position (GRCh38, 1-based): chr19:6,697,756, G>A on the plus strand (C>T on the coding strand, the complement: C3 is on the minus strand). VCF-style: chr19-6697756-G-A. GRCh37 (hg19) VCF-style: chr19-6697767-G-A.
Other names: short protein forms Q827*.
Identifiers: ClinVar variation 2828850 (VCV002828850.3), dbSNP rs1967571311, ClinGen allele CA403634068.
Genomic context (GRCh38, chr19:6,697,756, plus strand): 5'-TTTCCACCTGCTCGTTTCGAACAACAGAGTAGGGTAGCCGCAGGTCGATGAAGAAGTCCT[G>A]CATTACTGTGACCTCGAAGGGGTCTGCCACACAGATCCCTGCTCGGGCAGAGACAGAACA-3'